The following is an entry in ClinVar:

NM_152564.5(VPS13B):c.7946T>A (p.Leu2649Ter)

Gene: VPS13B (vacuolar protein sorting 13 homolog B; plus strand). Cytogenetic location: 8q22.2.
Variant type: single nucleotide variant.
Coding change: c.7946T>A on transcript NM_152564.5 (MANE Select); coding-DNA position 7946, T replaced by A.
Protein change: p.Leu2649Ter; replaces leucine 2649 with a stop codon.
Molecular consequence: nonsense.
Genome position (GRCh38, 1-based): chr8:99,809,379, T>A. VCF-style: chr8-99809379-T-A. GRCh37 (hg19) VCF-style: chr8-100821607-T-A.
Other names: c.8021T>A, p.Leu2674Ter (NM_017890.5); short protein forms L2674*, L2649*.
Identifiers: ClinVar variation 1456897 (VCV001456897.6), dbSNP rs2130785617, ClinGen allele CA371769451.

ClinVar aggregate classification (germline): Pathogenic (1 of 4 stars; one submission).

Conditions:
Cohen syndrome (COH1). Also called: PEPPER SYNDROME; Cutis verticis gyrata, retinitis pigmentosa, and sensorineural deafness. Identifiers: Orphanet 193, MedGen C0265223, MONDO:0008999, OMIM 216550.

Submission:

Labcorp Genetics (formerly Invitae), Labcorp
Classification: Pathogenic for Cohen syndrome. Last evaluated: 2022-07-26. Review status: criteria provided, single submitter. Criteria: Invitae Variant Classification Sherloc (09022015). Collection method: clinical testing. Allele origin: germline.
Comment: For these reasons, this variant has been classified as Pathogenic. ClinVar contains an entry for this variant (Variation ID: 1456897). This variant has not been reported in the literature in individuals affected with VPS13B-related conditions. This variant is not present in population databases (gnomAD no frequency). This sequence change creates a premature translational stop signal (p.Leu2674*) in the VPS13B gene. It is expected to result in an absent or disrupted protein product. Loss-of-function variants in VPS13B are known to be pathogenic (PMID: 15141358, 16648375, 20461111).

Literature cited by the submitters: PubMed 15141358; PubMed 16648375; PubMed 20461111.